The following is an entry in ClinVar:

NM_001015878.2(AURKC):c.550del (p.Asp184fs)

Gene: AURKC (aurora kinase C; plus strand). Cytogenetic location: 19q13.43.
Variant type: Deletion.
Coding change: c.550del on transcript NM_001015878.2 (MANE Select); coding-DNA position 550, one base deleted (G; older notation c.550delG).
Protein change: p.Asp184fs; shifts the reading frame from aspartic acid 184.
Molecular consequence: frameshift variant.
Genome position (GRCh38, 1-based): chr19:57,233,574, G deleted. VCF-style (leftmost placement, unchanged base first): chr19-57233573-AG-A. GRCh37 (hg19) VCF-style: chr19-57744941-AG-A.
Other names: p.D184Ifs*10; c.550delG (NM_001015878.2); c.493del, p.Asp165fs (NM_001015879.2); c.448del, p.Asp150fs (NM_003160.3); short protein forms D150fs, D165fs, D184fs.
Identifiers: ClinVar variation 4537477 (VCV004537477.1).

ClinVar aggregate classification (germline): Likely pathogenic (0 of 4 stars; one submission).

Conditions:
Macrozoospermia. Identifiers: MedGen C4476776, HP:0025437.

Submission:

Andrology, Royan Institute for Reproductive Biomedicine, Royan Institute
Classification: Likely pathogenic for Macrozoospermia. Last evaluated: 2023-09-01. Review status: no assertion criteria provided. Collection method: research. Allele origin: germline. Inheritance: Autosomal recessive inheritance. Affected: yes.
Comment: In silico analysis using SIFT and MutationTaster predicts this variant to be deleterious. The deletion causes a frameshift leading to a premature stop codon, which is expected to trigger nonsense-mediated mRNA decay (NMD), resulting in loss of normal AURKC protein function. Loss-of-function variants in AURKC are an established mechanism for autosomal recessive macrozoospermia.